The following is an entry in ClinVar:

NM_020971.3(SPTBN4):c.6502C>G (p.Leu2168Val)

Gene: SPTBN4 (spectrin beta, non-erythrocytic 4; plus strand). Cytogenetic location: 19q13.2.
Variant type: single nucleotide variant.
Coding change: c.6502C>G on transcript NM_020971.3 (MANE Select); coding-DNA position 6502, C replaced by G.
Protein change: p.Leu2168Val; replaces leucine 2168 with valine.
Molecular consequence: missense variant.
Genome position (GRCh38, 1-based): chr19:40,567,828, C>G. VCF-style: chr19-40567828-C-G. GRCh37 (hg19) VCF-style: chr19-41073734-C-G.
Other names: short protein forms L2168V.
Identifiers: ClinVar variation 1695797 (VCV001695797.6), dbSNP rs760932101, ClinGen allele CA9446787.
Genomic context (GRCh38, chr19:40,567,828, plus strand): 5'-CTGCGGCCAGGGGGCTATGAAAGGGGCTTGGAGCCCCTGGCCCGCCGAGCCTCGGACACG[C>G]TCTCGGCCGAGGTGCGGACTCGGGTGGGGTATGTGCGCCAGGAGCTCAAGCCCGAGCGCC-3'
Protein context (NP_066022.2, residues 2158-2178): EPLARRASDT[Leu2168Val]SAEVRTRVGY

ClinVar aggregate classification (germline): Uncertain significance. Review status: criteria provided, multiple submitters, no conflicts (2 of 4 stars). 3 submissions from 3 submitters: Uncertain significance (3). Last evaluated 2025-06-07.

Conditions:
Inborn genetic diseases. Identifiers: MedGen C0950123, MeSH D030342.
Neurodevelopmental disorder with hypotonia, neuropathy, and deafness (NEDHND). Also called: Myopathy, congenital, with neuropathy and deafness; SPTBN4 Disorder. Identifiers: MedGen C4479603, MONDO:0060496, OMIM 617519.

Allele frequency attached by ClinVar (database versions not stated): gnomAD exomes 0.00002 and 0.00009; TOPMed 0.00009; gnomAD 0.00010 and 0.00011; ExAC 0.00011.
gnomAD v4.1: 145 of 1,521,648 alleles (0.0095%); highest among the groups gnomAD compares: Non-Finnish European, 0.012%; no homozygotes.

Submissions (3):

Ambry Genetics
Classification: Uncertain significance for Inborn genetic diseases. Last evaluated: 2025-06-07. Review status: criteria provided, single submitter. Criteria: Ambry Variant Classification Scheme 2023. Collection method: clinical testing. Allele origin: germline.

Victorian Clinical Genetics Services, Murdoch Childrens Research Institute
Classification: Uncertain significance for Neurodevelopmental disorder with hypotonia, neuropathy, and deafness. Last evaluated: 2022-09-02. Review status: criteria provided, single submitter. Criteria: ACMG Guidelines, 2015. Collection method: clinical testing. Allele origin: germline. Inheritance: Autosomal recessive inheritance. Affected: yes.
Comment: A heterozygous missense variant was identified, NM_020971.2(SPTBN4):c.6502C>G in exon 31 of 36 of the SPTBN4 gene (NB: This variant is non-coding in alternative transcript). This substitution is predicted to create a minor amino acid change from leucine to valine at position 2168 of the protein, NP_066022.2(SPTBN4):p.(Leu2168Val). The leucine at this position has moderate conservation (100 vertebrates, UCSC), but is not situated in a known functional domain. In silico software predictions of the pathogenicity of this variant are conflicting (Polyphen, SIFT, CADD, Mutation Taster). The variant is present in the gnomAD population database at a frequency of 0.0020% (3 heterozygotes, 0 homozygotes). The variant has not been previously reported in clinical cases. Based on information available at the time of curation, this variant has been classified as a VARIANT of UNCERTAIN SIGNIFICANCE (VUS).

GeneDx
Classification: Uncertain significance. Last evaluated: 2022-01-11. Review status: criteria provided, single submitter. Criteria: GeneDx Variant Classification Process June 2021. Collection method: clinical testing. Allele origin: germline. Affected: yes.
Comment: Not observed at significant frequency in large population cohorts (gnomAD); In silico analysis supports that this missense variant does not alter protein structure/function; Has not been previously published as pathogenic or benign to our knowledge